The following is an entry in ClinVar:

NM_005045.4(RELN):c.9550A>G (p.Asn3184Asp)

Genes: RELN (reelin; minus strand), SLC26A5-AS1 (SLC26A5 antisense RNA 1; plus strand), LOC126860130 (BRD4-independent group 4 enhancer GRCh37_chr7:103130126-103131325; plus strand). Cytogenetic location: 7q22.1.
Variant type: single nucleotide variant.
Coding change: c.9550A>G on transcript NM_005045.4 (MANE Select); coding-DNA position 9550, A replaced by G.
Protein change: p.Asn3184Asp; replaces asparagine 3184 with aspartic acid.
Molecular consequence: missense variant.
Genome position (GRCh38, 1-based): chr7:103,490,723, T>C on the plus strand (A>G on the coding strand, the complement: RELN is on the minus strand). VCF-style: chr7-103490723-T-C. GRCh37 (hg19) VCF-style: chr7-103131170-T-C.
Other names: c.9550A>G, p.Asn3184Asp (NM_173054.3); short protein forms N3184D.
Identifiers: ClinVar variation 3364941 (VCV003364941.2).

ClinVar aggregate classification (germline): Uncertain significance (1 of 4 stars; one submission).

Submission:

GeneDx
Classification: Uncertain significance. Last evaluated: 2026-04-01. Review status: criteria provided, single submitter. Criteria: GeneDx Variant Classification Process June 2021. Collection method: clinical testing. Allele origin: germline.
Comment: Not observed at significant frequency in large population cohorts (gnomAD); In silico analysis suggests that this missense variant does not alter protein structure/function; Has not been previously published as pathogenic or benign to our knowledge